The following is an entry in ClinVar:

ClinVar aggregate classification (germline): Uncertain significance (1 of 4 stars; one submission).

Allele frequency attached by ClinVar (database versions not stated): TOPMed 0.00002.
gnomAD v4.1: 3 of 1,606,156 alleles (0.00019%); highest among the groups gnomAD compares: Admixed American, 0.0017%; no homozygotes.

Submission:

Labcorp Genetics (formerly Invitae), Labcorp
Classification: Uncertain significance. Last evaluated: 2025-08-09. Review status: criteria provided, single submitter. Criteria: Invitae Variant Classification Sherloc (09022015). Collection method: clinical testing. Allele origin: germline.
Comment: This sequence change replaces serine, which is neutral and polar, with leucine, which is neutral and non-polar, at codon 92 of the KMT2A protein (p.Ser92Leu). The frequency data for this variant in the population databases is considered unreliable, as metrics indicate poor data quality at this position in the gnomAD database. This variant has not been reported in the literature in individuals affected with KMT2A-related conditions. ClinVar contains an entry for this variant (Variation ID: 2983080). Invitae Evidence Modeling of protein sequence and biophysical properties (such as structural, functional, and spatial information, amino acid conservation, physicochemical variation, residue mobility, and thermodynamic stability) has been performed for this missense variant. However, the output from this modeling did not meet the statistical confidence thresholds required to predict the impact of this variant on KMT2A protein function. In summary, the available evidence is currently insufficient to determine the role of this variant in disease. Therefore, it has been classified as a Variant of Uncertain Significance.

NM_001197104.2(KMT2A):c.275C>T (p.Ser92Leu)

Gene: KMT2A (lysine methyltransferase 2A; plus strand). Cytogenetic location: 11q23.3.
Variant type: single nucleotide variant.
Coding change: c.275C>T on transcript NM_001197104.2 (MANE Select); coding-DNA position 275, C replaced by T.
Protein change: p.Ser92Leu; replaces serine 92 with leucine.
Molecular consequence: missense variant.
Genome position (GRCh38, 1-based): chr11:118,436,787, C>T. VCF-style: chr11-118436787-C-T. GRCh37 (hg19) VCF-style: chr11-118307502-C-T.
Other names: c.275C>T, p.Ser92Leu (NM_001412597.1, NM_005933.4); short protein forms S92L.
Identifiers: ClinVar variation 2983080 (VCV002983080.3), dbSNP rs782112520, ClinGen allele CA382797980.